The following is an entry in ClinVar:

NM_052947.4(ALPK2):c.4642A>G (p.Met1548Val)

Genes: ALPK2 (alpha kinase 2; minus strand), LOC126862764 (BRD4-independent group 4 enhancer GRCh37_chr18:56202574-56203773; plus strand). Cytogenetic location: 18q21.31.
Variant type: single nucleotide variant.
Coding change: c.4642A>G on transcript NM_052947.4 (MANE Select); coding-DNA position 4642, A replaced by G.
Protein change: p.Met1548Val; replaces methionine 1548 with valine.
Molecular consequence: missense variant.
Genome position (GRCh38, 1-based): chr18:58,535,545, T>C on the plus strand (A>G on the coding strand, the complement: ALPK2 is on the minus strand). VCF-style: chr18-58535545-T-C. GRCh37 (hg19) VCF-style: chr18-56202777-T-C.
Other names: short protein forms M1548V.
Identifiers: ClinVar variation 2564080 (VCV002564080.2), dbSNP rs2518874358, ClinGen allele CA402560727.

ClinVar aggregate classification (germline): Uncertain significance (1 of 4 stars; one submission).

Submission:

Ambry Genetics
Classification: Uncertain significance. Last evaluated: 2023-05-18. Review status: criteria provided, single submitter. Criteria: Ambry Variant Classification Scheme 2023. Collection method: clinical testing. Allele origin: germline.
Comment: The p.M1548V variant (also known as c.4642A>G), located in coding exon 4 of the ALPK2 gene, results from an A to G substitution at nucleotide position 4642. The methionine at codon 1548 is replaced by valine, an amino acid with highly similar properties. This amino acid position is conserved. In addition, this alteration is predicted to be tolerated by in silico analysis. Since supporting evidence is limited at this time, the clinical significance of this alteration remains unclear.